The following is an entry in ClinVar:

ClinVar aggregate classification (germline): Conflicting classifications of pathogenicity. Review status: criteria provided, conflicting classifications (1 of 4 stars). 3 submissions from 3 submitters: Uncertain significance (1); Likely benign (1). 1 of the submissions does not count toward it. Last evaluated 2026-01-21.

Conditions:
Mendelian susceptibility to mycobacterial diseases due to complete ISG15 deficiency. Also called: IMMUNODEFICIENCY 38, MYCOBACTERIOSIS, AUTOSOMAL RECESSIVE; ISG15 DEFICIENCY, AUTOSOMAL RECESSIVE; Immunodeficiency 38 with basal ganglia calcification; Immunodeficiency 38. Identifiers: Orphanet 319563, MedGen C4015293, MONDO:0014502, OMIM 616126.
ISG15-related disorder. Also called: ISG15-related condition.

Allele frequency attached by ClinVar (database versions not stated): ExAC 0.00036; ESP Exome Variant Server 0.00038; gnomAD exomes 0.00040; gnomAD 0.00051 and 0.00052; TOPMed 0.00056; 1000 Genomes Project 0.00060; 1000 Genomes Project 30x 0.00062.

Submissions (3):

Labcorp Genetics (formerly Invitae), Labcorp
Classification: Likely benign for Mendelian susceptibility to mycobacterial diseases due to complete ISG15 deficiency. Last evaluated: 2026-01-21. Review status: criteria provided, single submitter. Criteria: Invitae Variant Classification Sherloc (09022015). Collection method: clinical testing. Allele origin: germline.

Mayo Clinic Laboratories, Mayo Clinic
Classification: Uncertain significance. Last evaluated: 2025-10-23. Review status: criteria provided, single submitter. Criteria: ACMG Guidelines, 2015. Collection method: clinical testing. Allele origin: germline. Observed: 1 variant allele.
Comment: BP4_moderate

PreventionGenetics, part of Exact Sciences
Classification: Likely benign for ISG15-related condition. Last evaluated: 2023-01-11. Review status: no assertion criteria provided. Collection method: clinical testing. Allele origin: germline. Not counted in ClinVar's aggregate classification.
Comment: This variant is classified as likely benign based on ACMG/AMP sequence variant interpretation guidelines (Richards et al. 2015 PMID: 25741868, with internal and published modifications).

NM_005101.4(ISG15):c.421G>A (p.Gly141Ser)

Gene: ISG15 (ISG15 ubiquitin like modifier; plus strand). Cytogenetic location: 1p36.33.
Variant type: single nucleotide variant.
Coding change: c.421G>A on transcript NM_005101.4 (MANE Select); coding-DNA position 421, G replaced by A.
Protein change: p.Gly141Ser; replaces glycine 141 with serine.
Molecular consequence: missense variant.
Genome position (GRCh38, 1-based): chr1:1,014,401, G>A. VCF-style: chr1-1014401-G-A. GRCh37 (hg19) VCF-style: chr1-949781-G-A.
Other names: p.Gly141Ser; c.421G>A, p.Gly141Ser (LRG_1231t1); short protein forms G141S.
Identifiers: ClinVar variation 542076 (VCV000542076.14), dbSNP rs138829117, ClinGen allele CA507708.